The following is an entry in ClinVar:

ClinVar aggregate classification (germline): Uncertain significance (1 of 4 stars; one submission).

gnomAD v4.1: 1 of 1,603,216 alleles (0.000062%); highest among the groups gnomAD compares: Non-Finnish European, 0.000085%; no homozygotes.

Submission:

Labcorp Genetics (formerly Invitae), Labcorp
Classification: Uncertain significance. Last evaluated: 2021-06-10. Review status: criteria provided, single submitter. Criteria: Invitae Variant Classification Sherloc (09022015). Collection method: clinical testing. Allele origin: germline.
Comment: In summary, the available evidence is currently insufficient to determine the role of this variant in disease. Therefore, it has been classified as a Variant of Uncertain Significance. This sequence change replaces aspartic acid with histidine at codon 331 of the TNFAIP3 protein (p.Asp331His). The aspartic acid residue is highly conserved and there is a moderate physicochemical difference between aspartic acid and histidine. This variant is not present in population databases (ExAC no frequency). This variant has not been reported in the literature in individuals with TNFAIP3-related conditions. Algorithms developed to predict the effect of missense changes on protein structure and function (SIFT, PolyPhen-2, Align-GVGD) all suggest that this variant is likely to be disruptive, but these predictions have not been confirmed by published functional studies and their clinical significance is uncertain.

NM_001270508.2(TNFAIP3):c.991G>C (p.Asp331His)

Gene: TNFAIP3 (TNF alpha induced protein 3; plus strand). Cytogenetic location: 6q23.3.
Variant type: single nucleotide variant.
Coding change: c.991G>C on transcript NM_001270508.2 (MANE Select); coding-DNA position 991, G replaced by C.
Protein change: p.Asp331His; replaces aspartic acid 331 with histidine.
Molecular consequence: missense variant.
Genome position (GRCh38, 1-based): chr6:137,878,436, G>C. VCF-style: chr6-137878436-G-C. GRCh37 (hg19) VCF-style: chr6-138199573-G-C.
Other names: c.991G>C, p.Asp331His (NM_001270507.2, NM_006290.4); short protein forms D331H.
Identifiers: ClinVar variation 1442251 (VCV001442251.8), dbSNP rs1406164317, ClinGen allele CA365788017.